The following is an entry in ClinVar:

NM_000548.5(TSC2):c.2838-5G>A

Gene: TSC2 (TSC complex subunit 2; plus strand). Cytogenetic location: 16p13.3.
Variant type: single nucleotide variant.
Coding change: c.2838-5G>A on transcript NM_000548.5 (MANE Select); 5 bases into the intron before coding-DNA position 2838, G replaced by A.
Molecular consequence: intron variant.
Genome position (GRCh38, 1-based): chr16:2,077,593, G>A. VCF-style: chr16-2077593-G-A. GRCh37 (hg19) VCF-style: chr16-2127594-G-A.
Other names: c.2838-5G>A (NM_001114382.3); c.2837+1008G>A (NM_021055.3, NM_001370405.1, NM_001363528.2 and 2 more transcripts); c.2726+1008G>A (NM_001318827.2); c.2237+1008G>A (NM_001318831.2); c.2690+1008G>A (NM_001318829.2); c.2870+1008G>A (NM_001318832.2).
Identifiers: ClinVar variation 233454 (VCV000233454.23), dbSNP rs876660419, ClinGen allele CA10579889.
Genomic context (GRCh38, chr16:2,077,593, plus strand): 5'-GCTTGTTCTCCCCTTCCCGGGAGCTGGGCTCTCTGGGGCGTTGGGGCTCCTTCCTCACCC[G>A]ATAGTCTGAGGATAGCCAGACCCCCCAAACAAGGCTTGAATAACTCTCCACCCGTGAAAG-3'

ClinVar aggregate classification (germline): Likely benign. Review status: criteria provided, multiple submitters, no conflicts (2 of 4 stars). 6 submissions from 6 submitters: Likely benign (6). Last evaluated 2025-12-13.

Conditions:
Hereditary cancer-predisposing syndrome. Also called: Tumor predisposition; Hereditary Cancer Syndrome; Hereditary neoplastic syndrome; Neoplastic Syndromes, Hereditary. Identifiers: Orphanet 140162, MedGen C0027672, MeSH D009386, MONDO:0015356.
Tuberous sclerosis 2 (TSC2). Identifiers: Orphanet 805, MedGen C1860707, MONDO:0013199, OMIM 613254.
Tuberous sclerosis syndrome (TSC). Also called: Tuberous Sclerosis Complex; Tuberous sclerosis. Identifiers: Orphanet 805, MedGen C0041341, MONDO:0001734.

Allele frequency attached by ClinVar (database versions not stated): gnomAD exomes below 0.00001; TOPMed below 0.00001.
gnomAD v4.1: 13 of 1,612,824 alleles (0.00081%); highest among the groups gnomAD compares: Middle Eastern, 0.033%; no homozygotes.

Submissions (6):

Labcorp Genetics (formerly Invitae), Labcorp
Classification: Likely benign for Tuberous sclerosis 2. Last evaluated: 2025-12-13. Review status: criteria provided, single submitter. Criteria: Invitae Variant Classification Sherloc (09022015). Collection method: clinical testing. Allele origin: germline.

Ambry Genetics
Classification: Likely benign for Hereditary cancer-predisposing syndrome. Last evaluated: 2025-11-25. Review status: criteria provided, single submitter. Criteria: Ambry Variant Classification Scheme 2023. Collection method: clinical testing. Allele origin: germline.

Myriad Genetics, Inc.
Classification: Likely benign for Tuberous sclerosis 2. Last evaluated: 2025-05-27. Review status: criteria provided, single submitter. Criteria: Myriad Autosomal Dominant, Autosomal Recessive and X-Linked Classification Criteria (2023). Collection method: clinical testing. Allele origin: unknown.
Comment: This variant is considered likely benign. This variant is intronic and is not expected to impact mRNA splicing.

All of Us Research Program, National Institutes of Health
Classification: Likely benign for Tuberous sclerosis syndrome. Last evaluated: 2023-08-15. Review status: criteria provided, single submitter. Criteria: ACMG Guidelines, 2015. Collection method: clinical testing. Allele origin: germline. Inheritance: Autosomal dominant inheritance. Observed: 1 variant allele, 1 heterozygote.
Comment: This study involves interpretation of variants in research participants for the purpose of population health screening. Participant phenotype was not available at the time of variant classification. Additional details can be found in publication PMID: 35346344, PMCID: PMC8962531

Color Diagnostics, LLC DBA Color Health
Classification: Likely benign for Tuberous sclerosis syndrome. Last evaluated: 2023-08-02. Review status: criteria provided, single submitter. Criteria: ACMG Guidelines, 2015. Collection method: clinical testing. Allele origin: germline.

Genome-Nilou Lab
Classification: Likely benign for Tuberous sclerosis 2. Last evaluated: 2021-11-07. Review status: criteria provided, single submitter. Criteria: ACMG Guidelines, 2015. Collection method: clinical testing. Allele origin: germline. Affected: no.